The following is an entry in ClinVar:

ClinVar aggregate classification (germline): Uncertain significance (1 of 4 stars; one submission).

Submission:

GeneDx
Classification: Uncertain significance. Last evaluated: 2025-05-01. Review status: criteria provided, single submitter. Criteria: GeneDx Variant Classification Process June 2021. Collection method: clinical testing. Allele origin: germline. Affected: yes.
Comment: Not observed at significant frequency in large population cohorts (gnomAD); In silico analysis supports that this missense variant has a deleterious effect on protein structure/function; Has not been previously published as pathogenic or benign to our knowledge

NM_080680.3(COL11A2):c.4105G>T (p.Gly1369Trp)

Gene: COL11A2 (collagen type XI alpha 2 chain; minus strand). Cytogenetic location: 6p21.32.
Variant type: single nucleotide variant.
Coding change: c.4105G>T on transcript NM_080680.3 (MANE Select); coding-DNA position 4105, G replaced by T.
Protein change: p.Gly1369Trp; replaces glycine 1369 with tryptophan.
Molecular consequence: missense variant.
Genome position (GRCh38, 1-based): chr6:33,167,443, C>A on the plus strand (G>T on the coding strand, the complement: COL11A2 is on the minus strand). VCF-style: chr6-33167443-C-A. GRCh37 (hg19) VCF-style: chr6-33135220-C-A.
Other names: c.3925G>T, p.Gly1309Trp (NM_001424108.1); c.3259G>T, p.Gly1087Trp (NM_001424109.1); c.3079G>T, p.Gly1027Trp (NM_001424110.1, NM_001424111.1); c.2059G>T, p.Gly687Trp (NM_001424112.1); c.3784G>T, p.Gly1262Trp (NM_080679.3); c.3847G>T, p.Gly1283Trp (NM_080681.3); short protein forms G1027W, G1087W, G1262W, G1283W, G1309W, G1369W, G687W.
Identifiers: ClinVar variation 4527953 (VCV004527953.1).